The following is an entry in ClinVar:

ClinVar aggregate classification (germline): Uncertain significance (1 of 4 stars; one submission).

Submission:

GeneDx
Classification: Uncertain significance. Last evaluated: 2023-02-16. Review status: criteria provided, single submitter. Criteria: GeneDx Variant Classification Process June 2021. Collection method: clinical testing. Allele origin: germline. Affected: yes.
Comment: Not observed at significant frequency in large population cohorts (gnomAD); In silico analysis supports that this missense variant has a deleterious effect on protein structure/function; Has not been previously published as pathogenic or benign to our knowledge

NM_021830.5(TWNK):c.1166G>T (p.Gly389Val)

Gene: TWNK (twinkle mtDNA helicase; plus strand). Cytogenetic location: 10q24.31.
Variant type: single nucleotide variant.
Coding change: c.1166G>T on transcript NM_021830.5 (MANE Select); coding-DNA position 1166, G replaced by T.
Protein change: p.Gly389Val; replaces glycine 389 with valine.
Molecular consequence: missense variant. On other transcripts: non-coding transcript variant (4), intron variant (3).
Genome position (GRCh38, 1-based): chr10:100,989,376, G>T. VCF-style: chr10-100989376-G-T. GRCh37 (hg19) VCF-style: chr10-102749133-G-T.
Other names: c.1166G>T, p.Gly389Val (NM_001163812.2); c.-119-268G>T (NM_001163814.2, NM_001163813.2); c.-57-330G>T (NM_001368275.1); short protein forms G389V.
Identifiers: ClinVar variation 2577706 (VCV002577706.1), dbSNP rs2493634101, ClinGen allele CA378209977.